The following is an entry in ClinVar:

NM_004646.4(NPHS1):c.2227C>T (p.Arg743Cys)

Gene: NPHS1 (NPHS1 adhesion molecule, nephrin; minus strand). Cytogenetic location: 19q13.12.
Variant type: single nucleotide variant.
Coding change: c.2227C>T on transcript NM_004646.4 (MANE Select); coding-DNA position 2227, C replaced by T.
Protein change: p.Arg743Cys; replaces arginine 743 with cysteine.
Molecular consequence: missense variant.
Genome position (GRCh38, 1-based): chr19:35,843,579, G>A on the plus strand (C>T on the coding strand, the complement: NPHS1 is on the minus strand). VCF-style: chr19-35843579-G-A. GRCh37 (hg19) VCF-style: chr19-36334481-G-A.
Other names: short protein forms R743C.
Identifiers: ClinVar variation 56469 (VCV000056469.30), dbSNP rs386833909, ClinGen allele CA250178.

ClinVar aggregate classification (germline): Pathogenic/Likely pathogenic. Review status: criteria provided, multiple submitters, no conflicts (2 of 4 stars). 11 submissions from 11 submitters: Pathogenic (4); Likely pathogenic (4). 3 of the submissions do not count toward it. Last evaluated 2026-08-11.

Conditions:
NPHS1-related disorder. Also called: NPHS1-related condition.
Nephrotic syndrome. Identifiers: MedGen C0027726, MONDO:0005377, HP:0000100.
Finnish congenital nephrotic syndrome (NPHS1). Also called: NEPHROTIC SYNDROME, TYPE 1. Identifiers: Orphanet 839, MedGen C0403399, MONDO:0009732, OMIM 256300.

Allele frequency attached by ClinVar (database versions not stated): TOPMed 0.00003; gnomAD 0.00006 and 0.00004; ExAC 0.00002; gnomAD exomes 0.00003.
gnomAD v4.1: 177 of 1,613,970 alleles (0.011%); highest among the groups gnomAD compares: Non-Finnish European, 0.014%; no homozygotes.

Submissions (11):

GeneDx
Classification: Likely pathogenic. Last evaluated: 2026-08-11. Review status: criteria provided, single submitter. Criteria: GeneDx Variant Classification Process June 2021. Collection method: clinical testing. Allele origin: germline.
Comment: Not observed at significant frequency in large population cohorts (gnomAD); In silico analysis supports that this missense variant has a deleterious effect on protein structure/function; In silico analysis is inconclusive as to whether the variant alters gene splicing. In the absence of RNA/functional studies, the actual effect of this sequence change is unknown.; This variant is associated with the following publications: (PMID: 32377865, 24142548, 11726550, 24303155, 33591954, 9915943, 24902943, 35372954, 11854170, 33089377, 20172850, 28117080, 10972661, 20507940, 41241432)

Labcorp Genetics (formerly Invitae), Labcorp
Classification: Pathogenic. Last evaluated: 2025-12-14. Review status: criteria provided, single submitter. Criteria: Invitae Variant Classification Sherloc (09022015). Collection method: clinical testing. Allele origin: germline.
Comment: This sequence change replaces arginine, which is basic and polar, with cysteine, which is neutral and slightly polar, at codon 743 of the NPHS1 protein (p.Arg743Cys). This variant is present in population databases (rs386833909, gnomAD 0.008%). This missense change has been observed in individuals with congenital nephrotic syndrome (PMID: 9915943, 10972661, 20172850, 20507940, 24902943, 28117080). ClinVar contains an entry for this variant (Variation ID: 56469). Invitae Evidence Modeling of protein sequence and biophysical properties (such as structural, functional, and spatial information, amino acid conservation, physicochemical variation, residue mobility, and thermodynamic stability) has been performed for this missense variant. However, the output from this modeling did not meet the statistical confidence thresholds required to predict the impact of this variant on NPHS1 protein function. Experimental studies are conflicting or provide insufficient evidence to determine the effect of this variant on NPHS1 function (PMID: 11726550, 24142548, 24303155). Algorithms developed to predict the effect of sequence changes on RNA splicing suggest that this variant may disrupt the consensus splice site. For these reasons, this variant has been classified as Pathogenic.

Natera, Inc.
Classification: Pathogenic for Finnish congenital nephrotic syndrome. Last evaluated: 2025-08-22. Review status: criteria provided, single submitter. Criteria: Natera Variant Classification Schema (03/2026). Collection method: clinical testing. Allele origin: germline.
Comment: The c.2227C>T variant in NPHS1 is a missense variant predicted to cause substitution of arginine to cysteine at amino acid 743. This variant is rare in the general population with a frequency below the threshold expected for the associated phenotype(s). This variant has been observed in one or more individuals affected with the associated recessive disease, as either homozygous or compound heterozygous with a second variant (PMID: 24902943, 20507940, 11854170, 10972661). Computational prediction algorithms indicate this variant is likely to affect gene or protein function. Given the available evidence, this variant is classified as Pathogenic.

Genetic Services Laboratory, University of Chicago
Classification: Likely pathogenic. Last evaluated: 2024-05-28. Review status: criteria provided, single submitter. Criteria: ACMG Guidelines, 2015. Collection method: clinical testing. Allele origin: germline. Affected: yes.
Comment: DNA sequence analysis of the NPHS1 gene demonstrated a sequence change, c.2227C>T, in exon 17 that results in an amino acid change, p.Arg743Cys. The p.Arg743Cys change affects a highly conserved amino acid residue located in a domain of the NPHS1 protein that is known to be functional. In-silico pathogenicity prediction tools (SIFT, PolyPhen2, Align GVGD, REVEL) provide contradictory results for the p.Arg743Cys substitution. This sequence change has been previously described in the literature in several individuals with NPHS1-related disorders (PMID: 9915943, 24142548, 11726550, 20172850). This sequence change has been described in the gnomAD database with a frequency of 0.01% in the overall population (dbSNP rs386833909). Functional studies indicate that this sequence change may impact NPHS1 function (PMID: 11726550, 24142548, 24303155). The p.Arg743Cys amino acid change occurs in a region of the NPHS1 gene where other missense sequence changes have been described in individuals with NPHS1-related disorders. Collectively, this evidence indicates that this sequence change is likely pathogenic.

HudsonAlpha Institute for Biotechnology
Classification: Pathogenic for Finnish congenital nephrotic syndrome. Last evaluated: 2023-12-01. Review status: criteria provided, single submitter. Criteria: ACMG Guidelines, 2015. Collection method: research. Allele origin: unknown. Affected: yes. Observed: 1 variant allele. Study: CSER-SouthSeq.

Fulgent Genetics
Classification: Likely pathogenic for Finnish congenital nephrotic syndrome. Last evaluated: 2022-05-24. Review status: criteria provided, single submitter. Criteria: ACMG Guidelines, 2015. Collection method: clinical testing. Allele origin: unknown.

Women's Health and Genetics/Laboratory Corporation of America, LabCorp
Classification: Pathogenic for Finnish congenital nephrotic syndrome. Last evaluated: 2021-09-14. Review status: criteria provided, single submitter. Criteria: LabCorp Variant Classification Summary - May 2015. Collection method: clinical testing. Allele origin: germline.
Comment: Variant summary: NPHS1 c.2227C>T (p.Arg743Cys) results in a non-conservative amino acid change located in the Spacer region between Ig-6 and Ig-7 domains (Liu_2001) of the encoded protein sequence. Four of five in-silico tools predict a damaging effect of the variant on protein function. The variant allele was found at a frequency of 2.8e-05 in 251448 control chromosomes. c.2227C>T has been reported in the literature in multiple individuals affected with Nephrotic Syndrome, Type 1 (example, Lenkkeri_1999, Patrakka_2000, Liu_2001, Kari_2014, Bierzynska_2017, Machuca_2010). These data indicate that the variant is very likely to be associated with disease. Several publications report experimental evidence evaluating an impact on protein function. The most pronounced variant effect results in ERAD (endoplasmic reticulum associated degradation) while not impacting trafficking to the cell surface (example, Drozova_2013, Miyai_2014, Yoshida_2021). Endoplasmic reticulum associated degradation is required for nephrin maturation and kidney glomerular filtration function (Yoshida_2021). Five clinical diagnostic laboratories have submitted clinical-significance assessments for this variant to ClinVar after 2014 without evidence for independent evaluation. All laboratories classified the variant as pathogenic (n=1)/likely pathogenic (n=4). Some submitters cite overlapping evidence utilized in the context of this evaluation. Based on the evidence outlined above, the variant was classified as pathogenic.

Blueprint Genetics
Classification: Likely pathogenic for NPHS1-related disorders. Last evaluated: 2019-11-22. Review status: criteria provided, single submitter. Criteria: ACMG Guidelines, 2015. Collection method: clinical testing. Allele origin: germline. Affected: yes. Observed: 1 variant allele.

Sydney Genome Diagnostics, Children's Hospital Westmead
Classification: Pathogenic for Nephrotic syndrome. Last evaluated: 2018-02-22. Review status: no assertion criteria provided. Collection method: clinical testing. Allele origin: unknown. Affected: yes. Observed: 1 variant allele, 1 homozygote. Not counted in ClinVar's aggregate classification.
Comment: This variant has been reported in the ExAC database with a very low allele frequency of 0.0016% (2 out of 121,386 alleles). It has also been reported in compound heterozygote state in mulitple patients with congenital nephrotic syndrome of Finnish type (see references). In addition, in vitro studies found that the p.Arg732Cys mutant peptide did not fold correctly and was rapidly degraded in the endoplasmic reticulum (Drozdova et al. 2013 Physiol Rep 1:e00086). In silico analysis of pathogenicity (through Alamut Visual v.2.8.1) using PolyPhen2, SIFT and MutationTaster all predict that this variant is likely to be pathogenic. This variant is considered to be pathogenic according to the ACMG guidelines.

Counsyl
Classification: Likely pathogenic for Finnish congenital nephrotic syndrome. Last evaluated: 2016-03-03. Review status: no assertion criteria provided. Collection method: clinical testing. Allele origin: unknown. Not counted in ClinVar's aggregate classification.

Juha Muilu Group; Institute for Molecular Medicine Finland (FIMM)
Classification: Likely pathogenic for Finnish congenital nephrotic syndrome. Review status: no assertion criteria provided. Collection method: not provided. Allele origin: unknown. Not counted in ClinVar's aggregate classification.
Comment: FinDis database variant: This variant was not found or characterized by our laboratory, data were collected from public sources: see reference
ClinVar note: Converted during submission from probable-pathogenic to Likely pathogenic.

Literature cited by the submitters: PubMed 9915943 (cited by 3 submitters); PubMed 10972661 (cited by 3 submitters); PubMed 20172850 (cited by 3 submitters); PubMed 20507940 (cited by 4 submitters); PubMed 24902943 (cited by 4 submitters); PubMed 28117080 (cited by Labcorp Genetics (formerly Invitae), Labcorp and Women's Health and Genetics/Laboratory Corporation of America, LabCorp); PubMed 11726550 (cited by 3 submitters); PubMed 24142548 (cited by Labcorp Genetics (formerly Invitae), Labcorp and Women's Health and Genetics/Laboratory Corporation of America, LabCorp); PubMed 24303155 (cited by 3 submitters); PubMed 11854170 (cited by Natera, Inc. and Counsyl); PubMed 33591954 (cited by Women's Health and Genetics/Laboratory Corporation of America, LabCorp).